The following is an entry in ClinVar:

ClinVar aggregate classification (germline): Pathogenic/Likely pathogenic. Review status: criteria provided, multiple submitters, no conflicts (2 of 4 stars). 2 submissions from 2 submitters: Pathogenic (1); Likely pathogenic (1). Last evaluated 2022-10-10.

Conditions:
TTLL5-related disorder. Also called: TTLL5-related condition.

Allele frequency attached by ClinVar (database versions not stated): gnomAD exomes below 0.00001; ExAC 0.00001; gnomAD 0.00001; TOPMed 0.00001.

Submissions (2):

Blueprint Genetics
Classification: Likely pathogenic for TTLL5-related disorders. Last evaluated: 2022-10-10. Review status: criteria provided, single submitter. Criteria: ACMG Guidelines, 2015. Collection method: clinical testing. Allele origin: germline. Affected: yes. Observed: 1 variant allele.

Labcorp Genetics (formerly Invitae), Labcorp
Classification: Pathogenic. Last evaluated: 2021-10-23. Review status: criteria provided, single submitter. Criteria: Invitae Variant Classification Sherloc (09022015). Collection method: clinical testing. Allele origin: germline.
Comment: For these reasons, this variant has been classified as Pathogenic. This variant has not been reported in the literature in individuals affected with TTLL5-related conditions. The frequency data for this variant in the population databases is considered unreliable, as metrics indicate poor data quality at this position in the ExAC database. This sequence change creates a premature translational stop signal (p.Tyr210*) in the TTLL5 gene. It is expected to result in an absent or disrupted protein product. Loss-of-function variants in TTLL5 are known to be pathogenic (PMID: 24791901, 27162334).

Literature cited by the submitters: PubMed 24791901 (cited by Labcorp Genetics (formerly Invitae), Labcorp); PubMed 27162334 (cited by Labcorp Genetics (formerly Invitae), Labcorp).

NM_015072.5(TTLL5):c.629dup (p.Tyr210Ter)

Gene: TTLL5 (tubulin tyrosine ligase like 5; plus strand). Cytogenetic location: 14q24.3.
Variant type: Duplication.
Coding change: c.629dup on transcript NM_015072.5 (MANE Select); coding-DNA position 629, one base duplicated (A; older notation c.629dupA).
Protein change: p.Tyr210Ter; replaces tyrosine 210 with a stop codon.
Molecular consequence: nonsense.
Genome position (GRCh38, 1-based): chr14:75,707,061, A duplicated. VCF-style (leftmost placement, unchanged base first): chr14-75707060-T-TA. GRCh37 (hg19) VCF-style: chr14-76173403-T-TA.
Other names: short protein forms Y210*.
Identifiers: ClinVar variation 1456352 (VCV001456352.7), dbSNP rs775585293, ClinGen allele CA7279010.
Genomic context (GRCh38, chr14:75,707,060, plus strand): 5'-TTTCTCTTTACTCAATAGCCAAACCAGATCTCCCTGGAAGAGAACATTTTGGTCTCCCGT[T>TA]ACATTAACAACCCCCTGCTCATAGATGGTGAGTTGTGATTAGGCCCTTGACCAAATTGGG-3'